The following is an entry in ClinVar:

NM_002887.4(RARS1):c.1835A>G (p.Tyr612Cys)

Gene: RARS1 (arginyl-tRNA synthetase 1; plus strand). Cytogenetic location: 5q34.
Variant type: single nucleotide variant.
Coding change: c.1835A>G on transcript NM_002887.4 (MANE Select); coding-DNA position 1835, A replaced by G.
Protein change: p.Tyr612Cys; replaces tyrosine 612 with cysteine.
Molecular consequence: missense variant.
Genome position (GRCh38, 1-based): chr5:168,518,024, A>G. VCF-style: chr5-168518024-A-G. GRCh37 (hg19) VCF-style: chr5-167945029-A-G.
Other names: c.1835A>G (NM_002887.3); short protein forms Y612C.
Identifiers: ClinVar variation 1680441 (VCV001680441.6), dbSNP rs770859555, ClinGen allele CA3550016.
Genomic context (GRCh38, chr5:168,518,024, plus strand): 5'-TATTTCTCCACACTCTCTGTGATTATATATATGAGCTGGCAACTGCTTTCACAGAGTTCT[A>G]TGATAGCTGCTACTGTGTGGAGAAAGATAGACAGACTGGTGAGTGTCTTTTTTTTTTTTT-3'
Protein context (NP_002878.2, residues 602-622): YELATAFTEF[Tyr612Cys]DSCYCVEKDR

ClinVar aggregate classification (germline): Uncertain significance. Review status: criteria provided, multiple submitters, no conflicts (2 of 4 stars). 2 submissions from 2 submitters: Uncertain significance (2). Last evaluated 2025-01-24.

Conditions:
Inborn genetic diseases. Identifiers: MedGen C0950123, MeSH D030342.

Allele frequency attached by ClinVar (database versions not stated): gnomAD exomes 0.00001; ExAC 0.00002.
gnomAD v4.1: 3 of 1,523,384 alleles (0.0002%); highest among the groups gnomAD compares: South Asian, 0.0011%; no homozygotes.

Submissions (2):

Ambry Genetics
Classification: Uncertain significance for Inborn genetic diseases. Last evaluated: 2025-01-24. Review status: criteria provided, single submitter. Criteria: Ambry Variant Classification Scheme 2023. Collection method: clinical testing. Allele origin: germline.

Labcorp Genetics (formerly Invitae), Labcorp
Classification: Uncertain significance. Last evaluated: 2024-02-24. Review status: criteria provided, single submitter. Criteria: Invitae Variant Classification Sherloc (09022015). Collection method: clinical testing. Allele origin: germline.
Comment: This sequence change replaces tyrosine, which is neutral and polar, with cysteine, which is neutral and slightly polar, at codon 612 of the RARS protein (p.Tyr612Cys). This variant is present in population databases (rs770859555, gnomAD 0.006%). This variant has not been reported in the literature in individuals affected with RARS-related conditions. ClinVar contains an entry for this variant (Variation ID: 1680441). Advanced modeling of protein sequence and biophysical properties (such as structural, functional, and spatial information, amino acid conservation, physicochemical variation, residue mobility, and thermodynamic stability) performed at Invitae indicates that this missense variant is expected to disrupt RARS protein function with a positive predictive value of 80%. In summary, the available evidence is currently insufficient to determine the role of this variant in disease. Therefore, it has been classified as a Variant of Uncertain Significance.